The following is an entry in ClinVar:

NM_015443.4(KANSL1):c.950T>C (p.Ile317Thr)

Gene: KANSL1 (KAT8 regulatory NSL complex subunit 1). Cytogenetic location: 17q21.31.
Variant type: single nucleotide variant.
Coding change: c.950T>C on transcript NM_015443.4 (MANE Select); coding-DNA position 950, T replaced by C.
Protein change: p.Ile317Thr; replaces isoleucine 317 with threonine.
Molecular consequence: missense variant.
Genome position (GRCh38, 1-based): chr17:46,171,194, A>G on the plus strand (T>C on the coding strand, the complement: KANSL1 is on the minus strand). VCF-style: chr17-46171194-A-G. GRCh37 (hg19) VCF-style: chr17-44248560-A-G.
Other names: c.950T>C (NM_001193466.1); c.950T>C, p.Ile317Thr (NM_001193465.2, NM_001193466.2, NM_001379198.1); short protein forms I317T.
Identifiers: ClinVar variation 1403664 (VCV001403664.2), dbSNP rs2147736324, ClinGen allele CA399979970.

ClinVar aggregate classification (germline): Uncertain significance. Review status: criteria provided, multiple submitters, no conflicts (2 of 4 stars). 2 submissions from 2 submitters: Uncertain significance (2). Last evaluated 2025-08-09.

Conditions:
Inborn genetic diseases. Identifiers: MedGen C0950123, MeSH D030342.
Koolen-de Vries syndrome (KDVS). Identifiers: Orphanet 96169, MedGen C1864871, MONDO:0012496, OMIM 610443.

Submissions (2):

Ambry Genetics
Classification: Uncertain significance for Inborn genetic diseases. Last evaluated: 2025-08-09. Review status: criteria provided, single submitter. Criteria: Ambry Variant Classification Scheme 2023. Collection method: clinical testing. Allele origin: germline.

Labcorp Genetics (formerly Invitae), Labcorp
Classification: Uncertain significance for Koolen-de Vries syndrome. Last evaluated: 2021-10-11. Review status: criteria provided, single submitter. Criteria: Invitae Variant Classification Sherloc (09022015). Collection method: clinical testing. Allele origin: germline.
Comment: Due to the possible presence of a polymorphic segmental duplication, the location of the variant could not be unambiguously resolved. Variants with ambiguous mapping are still reported relative to the KANSL1 transcript. This sequence change replaces isoleucine with threonine at codon 317 of the KANSL1 protein (p.Ile317Thr). The isoleucine residue is moderately conserved and there is a moderate physicochemical difference between isoleucine and threonine. The frequency data for this variant in the population databases (ExAC) is considered unreliable due to the presence of homologous sequence, such as pseudogenes or paralogs, in the genome. This variant has not been reported in the literature in individuals with KANSL1-related conditions. Algorithms developed to predict the effect of missense changes on protein structure and function (SIFT, PolyPhen-2, Align-GVGD) all suggest that this variant is likely to be tolerated. Until the location of this sequence change can be resolved, the clinical significance of this variant remains uncertain. It has been classified as a Variant of Uncertain Significance.